The following is an entry in ClinVar:

NM_000419.5(ITGA2B):c.2992del (p.Trp998fs)

Gene: ITGA2B (integrin subunit alpha 2b; minus strand). Cytogenetic location: 17q21.31.
Variant type: Deletion.
Coding change: c.2992del on transcript NM_000419.5 (MANE Select); coding-DNA position 2992, one base deleted (T; older notation c.2992delT).
Protein change: p.Trp998fs; shifts the reading frame from tryptophan 998.
Molecular consequence: frameshift variant.
Genome position (GRCh38, 1-based): chr17:44,374,422, A deleted on the plus strand (T on the coding strand, the reverse complement: ITGA2B is on the minus strand). VCF-style (leftmost placement, unchanged base first): chr17-44374421-CA-C. GRCh37 (hg19) VCF-style: chr17-42451789-CA-C.
Other names: c.2992del (LRG_479t1); short protein forms W998fs.
Identifiers: ClinVar variation 627292 (VCV000627292.4), dbSNP rs1598375578, ClinGen allele CA915940800.

ClinVar aggregate classification (germline): Uncertain significance. Review status: reviewed by expert panel (3 of 4 stars). 2 submissions from 2 submitters: Uncertain significance (1). 1 of the submissions does not count toward it. Last evaluated 2024-06-06.

Conditions:
Glanzmann thrombasthenia. Also called: BLEEDING DISORDER, PLATELET-TYPE, 2; THROMBASTHENIA OF GLANZMANN AND NAEGELI; Thrombasthenia; PLATELET GLYCOPROTEIN IIb-IIIa DEFICIENCY; Glanzmann's thrombasthenia. Identifiers: Orphanet 849, MedGen C0040015, MONDO:0100326.

Submissions (2):

ClinGen Platelet Disorders Variant Curation Expert Panel, ClinGen
Classification: Uncertain significance for Glanzmann thrombasthenia. Last evaluated: 2024-06-06. Review status: reviewed by expert panel. Criteria: ClinGen Platelet ACMG Specifications v2-1. Collection method: curation. Allele origin: germline. Inheritance: Autosomal recessive inheritance.
Comment: The NM_000419.5(ITGA2B):c.2992del (p.Trp998GlyfsTer?) variant causes a frameshift and subsequent stop loss, resulting in alteration of the remaining 42 amino acids followed by the addition of 90 amino acids to the ITGA2B protein. This alters the transmembrane domain of the protein which is considered a critical region for protein function by the Platelet Disorders VCEP (PVS1_strong). This variant is absent from gnomAD v4.0 (PM2_Supporting). Patient TGP0655, of PMID: 31064749, is compound heterozygous for c.409-1G>A (classified Likely Pathogenic by the PD VCEP) and c.2992del, however confirmation of trans phase and sufficient phenotypic information were not available for this patient to meet any criteria. In summary, this variant is classified as uncertain significance for autosomal recessive Glanzmann thrombasthenia. GT-specific criteria applied: PVS1_Strong, PM2_Supporting.

NIHR Bioresource Rare Diseases, University of Cambridge
Classification: Pathogenic for Glanzmann thrombasthenia 1. Last evaluated: 2019-02-01. Review status: criteria provided, single submitter. Criteria: ACMG Guidelines, 2015. Collection method: research. Allele origin: unknown. Affected: yes. Observed: 1 compound heterozygote. Study: ThromboGenomics. Not counted in ClinVar's aggregate classification.

Literature cited by the submitters: PubMed 31064749 (cited by NIHR Bioresource Rare Diseases, University of Cambridge).